The following is an entry in ClinVar:

ClinVar aggregate classification (germline): Uncertain significance (1 of 4 stars; one submission).

Conditions:
Werner syndrome (WRN). Identifiers: Orphanet 902, MedGen C0043119, MONDO:0010196, OMIM 277700.

Submission:

Labcorp Genetics (formerly Invitae), Labcorp
Classification: Uncertain significance for Werner syndrome. Last evaluated: 2022-06-24. Review status: criteria provided, single submitter. Criteria: Invitae Variant Classification Sherloc (09022015). Collection method: clinical testing. Allele origin: germline.
Comment: In summary, the available evidence is currently insufficient to determine the role of this variant in disease. Therefore, it has been classified as a Variant of Uncertain Significance. Algorithms developed to predict the effect of missense changes on protein structure and function are either unavailable or do not agree on the potential impact of this missense change (SIFT: "Not Available"; PolyPhen-2: "Benign"; Align-GVGD: "Not Available"). This variant has not been reported in the literature in individuals affected with WRN-related conditions. This variant is not present in population databases (gnomAD no frequency). This sequence change replaces glutamine, which is neutral and polar, with proline, which is neutral and non-polar, at codon 12 of the WRN protein (p.Gln12Pro).

NM_000553.6(WRN):c.35A>C (p.Gln12Pro)

Gene: WRN (WRN RecQ like helicase; plus strand). Cytogenetic location: 8p12.
Variant type: single nucleotide variant.
Coding change: c.35A>C on transcript NM_000553.6 (MANE Select); coding-DNA position 35, A replaced by C.
Protein change: p.Gln12Pro; replaces glutamine 12 with proline.
Molecular consequence: missense variant.
Genome position (GRCh38, 1-based): chr8:31,058,482, A>C. VCF-style: chr8-31058482-A-C. GRCh37 (hg19) VCF-style: chr8-30915998-A-C.
Other names: short protein forms Q12P.
Identifiers: ClinVar variation 2010418 (VCV002010418.4), dbSNP rs2487266173, ClinGen allele CA370912088.
Genomic context (GRCh38, chr8:31,058,482, plus strand): 5'-GACTCTGCAAATAGGACATTTCAAAGATGAGTGAAAAAAAATTGGAAACAACTGCACAGC[A>C]GCGGAAATGTCCTGAATGGATGAATGTGCAGAATAAAAGATGTGCTGTAGAAGAAAGAAA-3'
Protein context (NP_000544.2, residues 2-22): SEKKLETTAQ[Gln12Pro]RKCPEWMNVQ